The following is an entry in ClinVar:

ClinVar aggregate classification (germline): Uncertain significance (1 of 4 stars; one submission).

Conditions:
Bethlem myopathy 1A. Also called: Bethlem myopathy 1; MYOPATHY, BENIGN CONGENITAL, WITH CONTRACTURES; Bethlem Muscular Dystrophy. Identifiers: Orphanet 610, MedGen CN029274, MONDO:0024530, OMIM 158810.

Allele frequency attached by ClinVar (database versions not stated): gnomAD exomes below 0.00001.
gnomAD v4.1: 1 of 1,614,172 alleles (0.000062%); highest among the groups gnomAD compares: East Asian, 0.0022%; no homozygotes.

Submission:

Labcorp Genetics (formerly Invitae), Labcorp
Classification: Uncertain significance for Bethlem myopathy 1A. Last evaluated: 2023-11-28. Review status: criteria provided, single submitter. Criteria: Invitae Variant Classification Sherloc (09022015). Collection method: clinical testing. Allele origin: germline.
Comment: This sequence change replaces cysteine, which is neutral and slightly polar, with tyrosine, which is neutral and polar, at codon 2087 of the COL6A3 protein (p.Cys2087Tyr). This variant is not present in population databases (gnomAD no frequency). This variant has not been reported in the literature in individuals affected with COL6A3-related conditions. Advanced modeling of protein sequence and biophysical properties (such as structural, functional, and spatial information, amino acid conservation, physicochemical variation, residue mobility, and thermodynamic stability) performed at Invitae indicates that this missense variant is expected to disrupt COL6A3 protein function with a positive predictive value of 80%. In summary, the available evidence is currently insufficient to determine the role of this variant in disease. Therefore, it has been classified as a Variant of Uncertain Significance.

NM_004369.4(COL6A3):c.6260G>A (p.Cys2087Tyr)

Gene: COL6A3 (collagen type VI alpha 3 chain; minus strand). Cytogenetic location: 2q37.3.
Variant type: single nucleotide variant.
Coding change: c.6260G>A on transcript NM_004369.4 (MANE Select); coding-DNA position 6260, G replaced by A.
Protein change: p.Cys2087Tyr; replaces cysteine 2087 with tyrosine.
Molecular consequence: missense variant.
Genome position (GRCh38, 1-based): chr2:237,360,110, C>T on the plus strand (G>A on the coding strand, the complement: COL6A3 is on the minus strand). VCF-style: chr2-237360110-C-T. GRCh37 (hg19) VCF-style: chr2-238268753-C-T.
Other names: c.4439G>A, p.Cys1480Tyr (NM_057166.5); c.5642G>A, p.Cys1881Tyr (NM_057167.4); short protein forms C1881Y, C1480Y, C2087Y.
Identifiers: ClinVar variation 2796955 (VCV002796955.3), dbSNP rs2469861929, ClinGen allele CA351216548.